The following is an entry in ClinVar:

ClinVar aggregate classification (germline): Uncertain significance (0 of 4 stars; one submission).

Conditions:
EP300-related disorder. Also called: EP300-related disorders; EP300-related condition.

gnomAD v4.1: 2 of 1,613,844 alleles (0.00012%); highest among the groups gnomAD compares: Non-Finnish European, 0.00017%; no homozygotes.

Submission:

PreventionGenetics, part of Exact Sciences
Classification: Uncertain significance for EP300-related condition. Last evaluated: 2024-09-11. Review status: no assertion criteria provided. Collection method: clinical testing. Allele origin: germline.
Comment: The EP300 c.3663G>T variant is predicted to result in the amino acid substitution p.Gln1221His. To our knowledge, this variant has not been reported in the literature or in a large population database, indicating this variant is rare. At this time, the clinical significance of this variant is uncertain due to the absence of conclusive functional and genetic evidence.

NM_001429.4(EP300):c.3663G>T (p.Gln1221His)

Gene: EP300 (E1A binding protein p300; plus strand). Cytogenetic location: 22q13.2.
Variant type: single nucleotide variant.
Coding change: c.3663G>T on transcript NM_001429.4 (MANE Select); coding-DNA position 3663, G replaced by T.
Protein change: p.Gln1221His; replaces glutamine 1221 with histidine.
Molecular consequence: missense variant.
Genome position (GRCh38, 1-based): chr22:41,160,714, G>T. VCF-style: chr22-41160714-G-T. GRCh37 (hg19) VCF-style: chr22-41556718-G-T.
Other names: c.3585G>T, p.Gln1195His (NM_001362843.2); short protein forms Q1195H, Q1221H.
Identifiers: ClinVar variation 3353349 (VCV003353349.1).
Genomic context (GRCh38, chr22:41,160,714, plus strand): 5'-TGAGAAGTGTTTCAATGAGATCCAAGGGGAGAGCGTTTCTTTGGGGGATGACCCTTCCCA[G>T]CCTCAAACGTAAGTAACTGCATTATTTTGAAAAGTGCTAATTAGTTTGTTGTCCAGTGAT-3'
Protein context (NP_001420.2, residues 1211-1231): ESVSLGDDPS[Gln1221His]PQTTINKEQF